The following is an entry in ClinVar:

NM_020922.5(WNK3):c.4694G>A (p.Arg1565His)

Gene: WNK3 (WNK lysine deficient protein kinase 3; minus strand). Cytogenetic location: Xp11.22.
Variant type: single nucleotide variant.
Coding change: c.4694G>A on transcript NM_020922.5 (MANE Select); coding-DNA position 4694, G replaced by A.
Protein change: p.Arg1565His; replaces arginine 1565 with histidine.
Molecular consequence: missense variant.
Genome position (GRCh38, 1-based): chrX:54,232,955, C>T on the plus strand (G>A on the coding strand, the complement: WNK3 is on the minus strand). VCF-style: chrX-54232955-C-T. GRCh37 (hg19) VCF-style: chrX-54259388-C-T.
Other names: c.4553G>A, p.Arg1518His (NM_001002838.4, NM_001395166.1); short protein forms R1565H, R1518H.
Identifiers: ClinVar variation 1969286 (VCV001969286.5), dbSNP rs1192392222, ClinGen allele CA413339311.

ClinVar aggregate classification (germline): Uncertain significance (1 of 4 stars; one submission).

Allele frequency attached by ClinVar (database versions not stated): TOPMed below 0.00001; gnomAD exomes 0.00001; gnomAD 0.00003.
gnomAD v4.1: 9 of 1,208,073 alleles (0.00074%); highest among the groups gnomAD compares: Non-Finnish European, 0.001%; no homozygotes.

Submission:

Labcorp Genetics (formerly Invitae), Labcorp
Classification: Uncertain significance. Last evaluated: 2024-03-27. Review status: criteria provided, single submitter. Criteria: Invitae Variant Classification Sherloc (09022015). Collection method: clinical testing. Allele origin: germline.
Comment: This sequence change replaces arginine, which is basic and polar, with histidine, which is basic and polar, at codon 1565 of the WNK3 protein (p.Arg1565His). This variant is present in population databases (no rsID available, gnomAD 0.001%). This variant has not been reported in the literature in individuals affected with WNK3-related conditions. ClinVar contains an entry for this variant (Variation ID: 1969286). An algorithm developed to predict the effect of missense changes on protein structure and function (PolyPhen-2) suggests that this variant is likely to be disruptive. In summary, the available evidence is currently insufficient to determine the role of this variant in disease. Therefore, it has been classified as a Variant of Uncertain Significance.